The following is an entry in ClinVar:

ClinVar aggregate classification (germline): Uncertain significance. Review status: criteria provided, multiple submitters, no conflicts (2 of 4 stars). 2 submissions from 2 submitters: Uncertain significance (2). Last evaluated 2025-12-03.

Conditions:
Inborn genetic diseases. Identifiers: MedGen C0950123, MeSH D030342.

Allele frequency attached by ClinVar (database versions not stated): ExAC 0.00007; gnomAD 0.00005; TOPMed 0.00005.
gnomAD v4.1: 78 of 1,556,902 alleles (0.005%); highest among the groups gnomAD compares: East Asian, 0.027%; no homozygotes.

Submissions (2):

Ambry Genetics
Classification: Uncertain significance for Inborn genetic diseases. Last evaluated: 2025-12-03. Review status: criteria provided, single submitter. Criteria: Ambry Variant Classification Scheme 2023. Collection method: clinical testing. Allele origin: germline.

Labcorp Genetics (formerly Invitae), Labcorp
Classification: Uncertain significance. Last evaluated: 2023-10-13. Review status: criteria provided, single submitter. Criteria: Invitae Variant Classification Sherloc (09022015). Collection method: clinical testing. Allele origin: germline.
Comment: This sequence change replaces alanine, which is neutral and non-polar, with valine, which is neutral and non-polar, at codon 823 of the TONSL protein (p.Ala823Val). This variant is present in population databases (rs749805413, gnomAD 0.03%). This variant has not been reported in the literature in individuals affected with TONSL-related conditions. ClinVar contains an entry for this variant (Variation ID: 1913362). Advanced modeling of protein sequence and biophysical properties (such as structural, functional, and spatial information, amino acid conservation, physicochemical variation, residue mobility, and thermodynamic stability) performed at Invitae indicates that this missense variant is expected to disrupt TONSL protein function. In summary, the available evidence is currently insufficient to determine the role of this variant in disease. Therefore, it has been classified as a Variant of Uncertain Significance.

NM_013432.5(TONSL):c.2468C>T (p.Ala823Val)

Genes: TONSL (tonsoku like, DNA repair protein; minus strand), TONSL-AS1 (TONSL antisense RNA 1; plus strand). Cytogenetic location: 8q24.3.
Variant type: single nucleotide variant.
Coding change: c.2468C>T on transcript NM_013432.5 (MANE Select); coding-DNA position 2468, C replaced by T.
Protein change: p.Ala823Val; replaces alanine 823 with valine.
Molecular consequence: missense variant.
Genome position (GRCh38, 1-based): chr8:144,435,965, G>A on the plus strand (C>T on the coding strand, the complement: TONSL is on the minus strand). VCF-style: chr8-144435965-G-A. GRCh37 (hg19) VCF-style: chr8-145661348-G-A.
Other names: c.2468C>T (NM_013432.4); short protein forms A823V.
Identifiers: ClinVar variation 1913362 (VCV001913362.4), dbSNP rs749805413, ClinGen allele CA4942819.